The following is an entry in ClinVar:

ClinVar aggregate classification (germline): Uncertain significance. Review status: criteria provided, single submitter (1 of 4 stars). 2 submissions from 2 submitters: Uncertain significance (1). 1 of the submissions does not count toward it. Last evaluated 2024-05-26.

Conditions:
Bardet-Biedl syndrome 2 (BBS2). Identifiers: Orphanet 110, MedGen C2936863, MONDO:0014432, OMIM 615981.
Retinitis pigmentosa 74 (RP74). Identifiers: Orphanet 791, MedGen C4225281, MONDO:0014692, OMIM 616562.
BBS2-related disorder. Also called: BBS2-related disorders; BBS2-related condition. Identifiers: MedGen CN239228.

Submissions (2):

Fulgent Genetics
Classification: Uncertain significance for Bardet-Biedl syndrome 2; Retinitis pigmentosa 74. Last evaluated: 2024-05-26. Review status: criteria provided, single submitter. Criteria: ACMG Guidelines, 2015. Collection method: clinical testing. Allele origin: germline.

PreventionGenetics, part of Exact Sciences
Classification: Uncertain significance for BBS2-related condition. Last evaluated: 2024-07-23. Review status: no assertion criteria provided. Collection method: clinical testing. Allele origin: germline. Not counted in ClinVar's aggregate classification.
Comment: The BBS2 c.1304A>G variant is predicted to result in the amino acid substitution p.His435Arg. To our knowledge, this variant has not been reported in the literature or in a large population database, indicating this variant is rare. At this time, the clinical significance of this variant is uncertain due to the absence of conclusive functional and genetic evidence.

NM_031885.5(BBS2):c.1304A>G (p.His435Arg)

Gene: BBS2 (Bardet-Biedl syndrome 2; minus strand). Cytogenetic location: 16q13.
Variant type: single nucleotide variant.
Coding change: c.1304A>G on transcript NM_031885.5 (MANE Select); coding-DNA position 1304, A replaced by G.
Protein change: p.His435Arg; replaces histidine 435 with arginine.
Molecular consequence: missense variant. On other transcripts: non-coding transcript variant (2).
Genome position (GRCh38, 1-based): chr16:56,500,947, T>C on the plus strand (A>G on the coding strand, the complement: BBS2 is on the minus strand). VCF-style: chr16-56500947-T-C. GRCh37 (hg19) VCF-style: chr16-56534859-T-C.
Other names: c.1304A>G, p.His435Arg (NM_001377456.1); short protein forms H435R.
Identifiers: ClinVar variation 3346272 (VCV003346272.2).